The following is an entry in ClinVar:

NM_030962.4(SBF2):c.2776C>A (p.Leu926Ile)

Genes: SBF2 (SET binding factor 2; minus strand), LOC101928008 (uncharacterized LOC101928008; plus strand). Cytogenetic location: 11p15.4.
Variant type: single nucleotide variant.
Coding change: c.2776C>A on transcript NM_030962.4 (MANE Select); coding-DNA position 2776, C replaced by A.
Protein change: p.Leu926Ile; replaces leucine 926 with isoleucine.
Molecular consequence: missense variant.
Genome position (GRCh38, 1-based): chr11:9,850,053, G>T on the plus strand (C>A on the coding strand, the complement: SBF2 is on the minus strand). VCF-style: chr11-9850053-G-T. GRCh37 (hg19) VCF-style: chr11-9871600-G-T.
Other names: c.2776C>A, p.Leu926Ile (NM_001386339.1); c.2647C>A, p.Leu883Ile (NM_001386342.1); short protein forms L926I, L883I.
Identifiers: ClinVar variation 1380725 (VCV001380725.5), dbSNP rs1193714532, ClinGen allele CA379635415.

ClinVar aggregate classification (germline): Uncertain significance (1 of 4 stars; one submission).

Conditions:
Charcot-Marie-Tooth disease type 4. Also called: Charcot-Marie-Tooth, Type 4; Charcot-Marie-Tooth disease, type IV. Identifiers: Orphanet 64749, MedGen C4082197, MONDO:0018995.

Allele frequency attached by ClinVar (database versions not stated): gnomAD exomes below 0.00001; gnomAD 0.00001; TOPMed 0.00001.
gnomAD v4.1: 2 of 1,614,076 alleles (0.00012%); highest among the groups gnomAD compares: Admixed American, 0.0017%; no homozygotes.

Submission:

Labcorp Genetics (formerly Invitae), Labcorp
Classification: Uncertain significance for Charcot-Marie-Tooth disease type 4. Last evaluated: 2021-08-14. Review status: criteria provided, single submitter. Criteria: Invitae Variant Classification Sherloc (09022015). Collection method: clinical testing. Allele origin: germline.
Comment: This sequence change replaces leucine with isoleucine at codon 926 of the SBF2 protein (p.Leu926Ile). The leucine residue is weakly conserved and there is a small physicochemical difference between leucine and isoleucine. This variant is not present in population databases (ExAC no frequency). This variant has not been reported in the literature in individuals affected with SBF2-related conditions. Algorithms developed to predict the effect of missense changes on protein structure and function (SIFT, PolyPhen-2, Align-GVGD) all suggest that this variant is likely to be tolerated. In summary, the available evidence is currently insufficient to determine the role of this variant in disease. Therefore, it has been classified as a Variant of Uncertain Significance.